The following is an entry in ClinVar:

ClinVar aggregate classification (germline): Uncertain significance (1 of 4 stars; one submission).

Submission:

Labcorp Genetics (formerly Invitae), Labcorp
Classification: Uncertain significance. Last evaluated: 2025-10-07. Review status: criteria provided, single submitter. Criteria: Invitae Variant Classification Sherloc (09022015). Collection method: clinical testing. Allele origin: germline.
Comment: This sequence change replaces methionine, which is neutral and non-polar, with isoleucine, which is neutral and non-polar, at codon 2913 of the VCAN protein (p.Met2913Ile). This variant is not present in population databases (gnomAD no frequency). This variant has not been reported in the literature in individuals affected with VCAN-related conditions. An algorithm developed to predict the effect of missense changes on protein structure and function outputs the following: PolyPhen-2: "Benign". The isoleucine amino acid residue is found in multiple mammalian species, which suggests that this missense change does not adversely affect protein function. In summary, the available evidence is currently insufficient to determine the role of this variant in disease. Therefore, it has been classified as a Variant of Uncertain Significance.

NM_004385.5(VCAN):c.8739G>A (p.Met2913Ile)

Genes: VCAN (versican; plus strand), VCAN-AS1 (VCAN antisense RNA 1; minus strand). Cytogenetic location: 5q14.3.
Variant type: single nucleotide variant.
Coding change: c.8739G>A on transcript NM_004385.5 (MANE Select); coding-DNA position 8739, G replaced by A.
Protein change: p.Met2913Ile; replaces methionine 2913 with isoleucine.
Molecular consequence: missense variant. On other transcripts: intron variant (2).
Genome position (GRCh38, 1-based): chr5:83,541,742, G>A. VCF-style: chr5-83541742-G-A. GRCh37 (hg19) VCF-style: chr5-82837561-G-A.
Other names: c.5778G>A, p.Met1926Ile (NM_001164097.2); c.4004-3795G>A (NM_001164098.2); c.1043-3795G>A (NM_001126336.3); short protein forms M1926I, M2913I.
Identifiers: ClinVar variation 4809601 (VCV004809601.1).